The following is an entry in ClinVar:

NM_138701.4(MPLKIP):c.47C>T (p.Pro16Leu)

Gene: MPLKIP (M-phase specific PLK1 interacting protein; minus strand). Cytogenetic location: 7p14.1.
Variant type: single nucleotide variant.
Coding change: c.47C>T on transcript NM_138701.4 (MANE Select); coding-DNA position 47, C replaced by T.
Protein change: p.Pro16Leu; replaces proline 16 with leucine.
Molecular consequence: missense variant.
Genome position (GRCh38, 1-based): chr7:40,134,521, G>A on the plus strand (C>T on the coding strand, the complement: MPLKIP is on the minus strand). VCF-style: chr7-40134521-G-A. GRCh37 (hg19) VCF-style: chr7-40174120-G-A.
Other names: c.47C>T (NM_138701.3); short protein forms P16L.
Identifiers: ClinVar variation 1518989 (VCV001518989.9), dbSNP rs79477505, ClinGen allele CA157713288.
Genomic context (GRCh38, chr7:40,134,521, plus strand): 5'-GGTCCGCCCCCGCCCGGGGTTCCCCGGAAGCTGCTTCCGCTACCCCAACCTCCTCCACCC[G>A]GACCAGGGTAAGGAGGAGTTGGGGGCCGAAAATTCTGTCGCTGCATATCAGGAGCCAAAG-3'
Protein context (NP_619646.1, residues 6-26): FRPPTPPYPG[Pro16Leu]GGGGWGSGSS

ClinVar aggregate classification (germline): Uncertain significance. Review status: criteria provided, multiple submitters, no conflicts (2 of 4 stars). 2 submissions from 2 submitters: Uncertain significance (2). Last evaluated 2025-02-05.

Conditions:
Inborn genetic diseases. Identifiers: MedGen C0950123, MeSH D030342.

Allele frequency attached by ClinVar (database versions not stated): gnomAD 0.00002 and 0.00003; TOPMed 0.00003; 1000 Genomes Project 0.00020; 1000 Genomes Project 30x 0.00031.
gnomAD v4.1: 20 of 1,594,696 alleles (0.0013%); highest among the groups gnomAD compares: African/African-American, 0.0053%; no homozygotes.

Submissions (2):

Ambry Genetics
Classification: Uncertain significance for Inborn genetic diseases. Last evaluated: 2025-02-05. Review status: criteria provided, single submitter. Criteria: Ambry Variant Classification Scheme 2023. Collection method: clinical testing. Allele origin: germline.

Labcorp Genetics (formerly Invitae), Labcorp
Classification: Uncertain significance. Last evaluated: 2023-08-04. Review status: criteria provided, single submitter. Criteria: Invitae Variant Classification Sherloc (09022015). Collection method: clinical testing. Allele origin: germline.
Comment: In summary, the available evidence is currently insufficient to determine the role of this variant in disease. Therefore, it has been classified as a Variant of Uncertain Significance. Experimental studies and prediction algorithms are not available or were not evaluated, and the functional significance of this variant is currently unknown. ClinVar contains an entry for this variant (Variation ID: 1518989). This variant has not been reported in the literature in individuals affected with MPLKIP-related conditions. This variant is not present in population databases (gnomAD no frequency). This sequence change replaces proline, which is neutral and non-polar, with leucine, which is neutral and non-polar, at codon 16 of the MPLKIP protein (p.Pro16Leu).